The following is an entry in ClinVar:

NM_000170.3(GLDC):c.1333_1334del (p.Val446fs)

Gene: GLDC (glycine decarboxylase; minus strand). Cytogenetic location: 9p24.1.
Variant type: Deletion.
Coding change: c.1333_1334del on transcript NM_000170.3 (MANE Select); coding-DNA positions 1333 to 1334, 2 bases deleted (TC; older notation c.1333_1334delTC).
Protein change: p.Val446fs; shifts the reading frame from valine 446.
Molecular consequence: frameshift variant.
Genome position (GRCh38, 1-based): chr9:6,592,918-6,592,919, GA deleted on the plus strand (TC on the coding strand, the reverse complement: GLDC is on the minus strand); deleting any 2 consecutive bases within chr9:6,592,918-6,592,920 gives the same sequence; the c. name uses the placement nearest the transcript's 3' end. VCF-style (leftmost placement, unchanged base first): chr9-6592917-TGA-T. GRCh37 (hg19) VCF-style: chr9-6592917-TGA-T.
Other names: short protein forms V446fs.
Identifiers: ClinVar variation 1725477 (VCV001725477.2), dbSNP rs2489085220, ClinGen allele CA2580080254.
Genomic context (GRCh38, chr9:6,592,917, plus strand): 5'-ATCCTCAAAAAGCCGAAAATTGATCTGCCGCTGAGCGGCCCTGCCCAAGACCTCCTTCAC[TGA>T]GCAGCCACACTGAATCTTCAAGGTATCAAAGAACAGGTCATGCTGGAGTTGATGCCCTGC-3'

ClinVar aggregate classification (germline): Likely pathogenic (1 of 4 stars; one submission).

Conditions:
Glycine encephalopathy. Also called: Non-ketotic hyperglycinemia; Nonketotic hyperglycinemia. Identifiers: Orphanet 407, MedGen C0751748, MONDO:0011612, HP:0008288.

Submission:

Myriad Genetics, Inc.
Classification: Likely pathogenic for Glycine encephalopathy 1. Last evaluated: 2022-03-27. Review status: criteria provided, single submitter. Criteria: Myriad Women's Health Autosomal Recessive and X-Linked Classification Criteria (2021). Collection method: clinical testing. Allele origin: unknown.
Comment: NM_000170.2(GLDC):c.1333_1334delTC(V446Efs*18) is expected to be pathogenic in the context of glycine encephalopathy, GLDC-related. This variant is predicted to lead to an abnormal or absent protein product due to the creation of a premature termination codon in GLDC, a gene where loss-of-function variants are known to be pathogenic. Please note: this variant was assessed in the context of healthy population screening.